The following is an entry in ClinVar:

ClinVar aggregate classification (germline): Uncertain significance. Review status: criteria provided, multiple submitters, no conflicts (2 of 4 stars). 2 submissions from 2 submitters: Uncertain significance (2). Last evaluated 2024-05-08.

Conditions:
Polyglandular autoimmune syndrome, type 1 (APS1). Also called: PGA I; Autoimmune polyendocrine syndrome type 1; HYPOADRENOCORTICISM WITH HYPOPARATHYROIDISM AND SUPERFICIAL MONILIASIS; Whitaker syndrome; Autoimmune polyendocrinopathy syndrome, type I; AUTOIMMUNE POLYENDOCRINE SYNDROME, TYPE I, WITH OR WITHOUT REVERSIBLE METAPHYSEAL DYSPLASIA. Identifiers: Orphanet 3453, MedGen C0085859, MONDO:0009411, OMIM 240300.

Allele frequency attached by ClinVar (database versions not stated): gnomAD exomes below 0.00001; TOPMed below 0.00001; gnomAD 0.00001.

Submissions (2):

Clinical Genomics Laboratory, Washington University in St. Louis
Classification: Uncertain significance for Polyglandular autoimmune syndrome, type 1. Last evaluated: 2024-05-08. Review status: criteria provided, single submitter. Criteria: ACMG Guidelines, 2015. Collection method: clinical testing. Allele origin: germline.
Comment: The AIRE c.325C>G (p.Pro109Ala) variant, to our knowledge, has not been reported in the medical literature and is only observed on 1/245,860 alleles in the general population (gnomAD v.2.1.1), indicating it is not a common variant. Computational predictors suggest that the variant does not impact AIRE function. This variant has been reported in the ClinVar database as a germline variant of uncertain significance in polyglandular autoimmune syndrome, type 1 by one submitter (ClinVar ID: 2191709). Due to limited information, and based on ACMG/AMP guidelines for variant interpretation (Richards S et al., PMID: 25741868), the clinical significance of this variant is uncertain at this time.

Labcorp Genetics (formerly Invitae), Labcorp
Classification: Uncertain significance for Polyglandular autoimmune syndrome, type 1. Last evaluated: 2022-02-10. Review status: criteria provided, single submitter. Criteria: Invitae Variant Classification Sherloc (09022015). Collection method: clinical testing. Allele origin: germline.
Comment: This sequence change replaces proline, which is neutral and non-polar, with alanine, which is neutral and non-polar, at codon 109 of the AIRE protein (p.Pro109Ala). This variant is present in population databases (no rsID available, gnomAD 0.0009%). This variant has not been reported in the literature in individuals affected with AIRE-related conditions. Algorithms developed to predict the effect of missense changes on protein structure and function (SIFT, PolyPhen-2, Align-GVGD) all suggest that this variant is likely to be tolerated. In summary, the available evidence is currently insufficient to determine the role of this variant in disease. Therefore, it has been classified as a Variant of Uncertain Significance.

NM_000383.4(AIRE):c.325C>G (p.Pro109Ala)

Gene: AIRE (autoimmune regulator; plus strand). Cytogenetic location: 21q22.3.
Variant type: single nucleotide variant.
Coding change: c.325C>G on transcript NM_000383.4 (MANE Select); coding-DNA position 325, C replaced by G.
Protein change: p.Pro109Ala; replaces proline 109 with alanine.
Molecular consequence: missense variant.
Genome position (GRCh38, 1-based): chr21:44,286,995, C>G. VCF-style: chr21-44286995-C-G. GRCh37 (hg19) VCF-style: chr21-45706878-C-G.
Other names: short protein forms P109A.
Identifiers: ClinVar variation 2191709 (VCV002191709.2), dbSNP rs1005908507, ClinGen allele CA321787816.